The following is an entry in ClinVar:

NC_000013.10:g.(?_23894756)_(24463459_?)del

Genes: PCOTH (prostate and testis expressed opposite C1QTNF9B and MIPEP; plus strand), TNFRSF19 (TNF receptor superfamily member 19; plus strand), SGCG (sarcoglycan gamma; plus strand), SACS (sacsin molecular chaperone; minus strand), MIPEP (mitochondrial intermediate peptidase; minus strand). Cytogenetic location: 13q12.12.
Variant type: Deletion.
Identifiers: ClinVar variation 3244163 (VCV003244163.1).

ClinVar aggregate classification (germline): Pathogenic (1 of 4 stars; one submission).

Conditions:
Autosomal recessive limb-girdle muscular dystrophy type 2C (LGMDR5). Also called: MUSCULAR DYSTROPHY, DUCHENNE-LIKE; MUSCULAR DYSTROPHY, LIMB-GIRDLE, AUTOSOMAL RECESSIVE 5. Identifiers: Orphanet 353, MedGen C0410173, MONDO:0009677, OMIM 253700. Disease mechanism: Affects gamma-sarcoglycan and also disrupts the integrity of the entire sarcoglycan complex..

Submission:

Labcorp Genetics (formerly Invitae), Labcorp
Classification: Pathogenic for Autosomal recessive limb-girdle muscular dystrophy type 2C. Last evaluated: 2022-06-02. Review status: criteria provided, single submitter. Criteria: Invitae Variant Classification Sherloc (09022015). Collection method: clinical testing. Allele origin: unknown.
Comment: For these reasons, this variant has been classified as Pathogenic. This variant disrupts a region of the SGCG protein in which other variant(s) (p.Leu194Ser) have been determined to be pathogenic (PMID: 9673983, 19770540, 22095924). This suggests that this is a clinically significant region of the protein, and that variants that disrupt it are likely to be disease-causing. This variant has not been reported in the literature in individuals affected with SGCG-related conditions. This variant is a gross deletion of the genomic region encompassing exon(s) 7-8 of the SGCG gene, which includes the termination codon. This deletion extends beyond the assayed region for this gene and therefore may encompass additional genes. While this deletion is not anticipated to lead to nonsense mediated decay, it is expected to alter mRNA translation or result in a truncated protein product.

Literature cited by the submitters: PubMed 9673983; PubMed 19770540; PubMed 22095924.